The following is an entry in ClinVar:

NM_139057.4(ADAMTS17):c.2701C>T (p.Arg901Trp)

Gene: ADAMTS17 (ADAM metallopeptidase with thrombospondin type 1 motif 17; minus strand). Cytogenetic location: 15q26.3.
Variant type: single nucleotide variant.
Coding change: c.2701C>T on transcript NM_139057.4 (MANE Select); coding-DNA position 2701, C replaced by T.
Protein change: p.Arg901Trp; replaces arginine 901 with tryptophan.
Molecular consequence: missense variant.
Genome position (GRCh38, 1-based): chr15:99,997,480, G>A on the plus strand (C>T on the coding strand, the complement: ADAMTS17 is on the minus strand). VCF-style: chr15-99997480-G-A. GRCh37 (hg19) VCF-style: chr15-100537685-G-A.
Other names: c.2701C>T (NM_139057.2); short protein forms R901W.
Identifiers: ClinVar variation 1402178 (VCV001402178.8), dbSNP rs780220308, ClinGen allele CA7757612.

ClinVar aggregate classification (germline): Uncertain significance. Review status: criteria provided, multiple submitters, no conflicts (2 of 4 stars). 2 submissions from 2 submitters: Uncertain significance (2). Last evaluated 2025-08-07.

Conditions:
Inborn genetic diseases. Identifiers: MedGen C0950123, MeSH D030342.

gnomAD v4.1: 53 of 1,613,410 alleles (0.0033%); highest among the groups gnomAD compares: Admixed American, 0.03%; no homozygotes.

Submissions (2):

Ambry Genetics
Classification: Uncertain significance for Inborn genetic diseases. Last evaluated: 2025-08-07. Review status: criteria provided, single submitter. Criteria: Ambry Variant Classification Scheme 2023. Collection method: clinical testing. Allele origin: germline.

Labcorp Genetics (formerly Invitae), Labcorp
Classification: Uncertain significance. Last evaluated: 2022-06-27. Review status: criteria provided, single submitter. Criteria: Invitae Variant Classification Sherloc (09022015). Collection method: clinical testing. Allele origin: germline.
Comment: This sequence change replaces arginine, which is basic and polar, with tryptophan, which is neutral and slightly polar, at codon 901 of the ADAMTS17 protein (p.Arg901Trp). This variant is present in population databases (rs780220308, gnomAD 0.04%). This variant has not been reported in the literature in individuals affected with ADAMTS17-related conditions. Algorithms developed to predict the effect of missense changes on protein structure and function are either unavailable or do not agree on the potential impact of this missense change (SIFT: "Not Available"; PolyPhen-2: "Probably Damaging"; Align-GVGD: "Not Available"). In summary, the available evidence is currently insufficient to determine the role of this variant in disease. Therefore, it has been classified as a Variant of Uncertain Significance.